The following is an entry in ClinVar:

NM_003922.4(HERC1):c.11897dup (p.Met3967fs)

Gene: HERC1 (HECT and RLD domain containing E3 ubiquitin protein ligase family member 1; minus strand). Cytogenetic location: 15q22.31.
Variant type: Duplication.
Coding change: c.11897dup on transcript NM_003922.4 (MANE Select); coding-DNA position 11897, one base duplicated (T; older notation c.11897dupT).
Protein change: p.Met3967fs; shifts the reading frame from methionine 3967.
Molecular consequence: frameshift variant.
Genome position (GRCh38, 1-based): chr15:63,640,156, A duplicated on the plus strand (T on the coding strand, the reverse complement: HERC1 is on the minus strand). VCF-style (leftmost placement, unchanged base first): chr15-63640155-T-TA. GRCh37 (hg19) VCF-style: chr15-63932354-T-TA.
Other names: short protein forms M3967fs.
Identifiers: ClinVar variation 3649929 (VCV003649929.2).

ClinVar aggregate classification (germline): Pathogenic (1 of 4 stars; one submission).

Submission:

Labcorp Genetics (formerly Invitae), Labcorp
Classification: Pathogenic. Last evaluated: 2024-04-15. Review status: criteria provided, single submitter. Criteria: Invitae Variant Classification Sherloc (09022015). Collection method: clinical testing. Allele origin: germline.
Comment: This sequence change creates a premature translational stop signal (p.Met3967Asnfs*3) in the HERC1 gene. It is expected to result in an absent or disrupted protein product. Loss-of-function variants in HERC1 are known to be pathogenic (PMID: 26138117, 26153217, 27108999). This variant is not present in population databases (gnomAD no frequency). This variant has not been reported in the literature in individuals affected with HERC1-related conditions. For these reasons, this variant has been classified as Pathogenic.

Literature cited by the submitters: PubMed 26138117; PubMed 26153217; PubMed 27108999.